The following is an entry in ClinVar:

ClinVar aggregate classification (germline): Uncertain significance (1 of 4 stars; one submission).

gnomAD v4.1: 15 of 1,551,612 alleles (0.00097%); highest among the groups gnomAD compares: African/African-American, 0.0096%; no homozygotes.

Submission:

Dasa
Classification: Uncertain significance. Last evaluated: 2025-01-10. Review status: criteria provided, single submitter. Criteria: DASA Assertion Criteria. Collection method: clinical testing. Allele origin: germline.
Comment: NM_033395.2(CEP295):c.6935T>G (p.Ile2312Arg) is a missense variant that results in the substitution of isoleucine with arginine. This variant is rare in population databases. Computational prediction algorithms are consistent with a benign effect. The currently available literature and clinical evidence are not sufficient to establish a definitive association between this variant and the reported condition. Therefore, this variant is classified as a variant of uncertain significance.

NM_033395.2(CEP295):c.6935T>G (p.Ile2312Arg)

Gene: CEP295 (centrosomal protein 295; plus strand). Cytogenetic location: 11q21.
Variant type: single nucleotide variant.
Coding change: c.6935T>G on transcript NM_033395.2 (MANE Select); coding-DNA position 6935, T replaced by G.
Protein change: p.Ile2312Arg; replaces isoleucine 2312 with arginine.
Molecular consequence: missense variant.
Genome position (GRCh38, 1-based): chr11:93,727,411, T>G. VCF-style: chr11-93727411-T-G. GRCh37 (hg19) VCF-style: chr11-93460577-T-G.
Other names: short protein forms I2312R.
Identifiers: ClinVar variation 4885648 (VCV004885648.2).